The following is an entry in ClinVar:

ClinVar aggregate classification (germline): Uncertain significance (1 of 4 stars; one submission).

Allele frequency attached by ClinVar (database versions not stated): gnomAD exomes below 0.00001; TOPMed 0.00001; gnomAD 0.00002.
gnomAD v4.1: 7 of 1,563,702 alleles (0.00045%); highest among the groups gnomAD compares: African/African-American, 0.0041%; no homozygotes.

Submission:

Labcorp Genetics (formerly Invitae), Labcorp
Classification: Uncertain significance. Last evaluated: 2023-11-27. Review status: criteria provided, single submitter. Criteria: Invitae Variant Classification Sherloc (09022015). Collection method: clinical testing. Allele origin: germline.
Comment: This sequence change replaces proline, which is neutral and non-polar, with threonine, which is neutral and polar, at codon 663 of the RIMS1 protein (p.Pro663Thr). This variant is not present in population databases (gnomAD no frequency). This variant has not been reported in the literature in individuals affected with RIMS1-related conditions. ClinVar contains an entry for this variant (Variation ID: 962693). An algorithm developed to predict the effect of missense changes on protein structure and function (PolyPhen-2) suggests that this variant is likely to be disruptive. In summary, the available evidence is currently insufficient to determine the role of this variant in disease. Therefore, it has been classified as a Variant of Uncertain Significance.

NM_014989.7(RIMS1):c.1987C>A (p.Pro663Thr)

Gene: RIMS1 (regulating synaptic membrane exocytosis 1; plus strand). Cytogenetic location: 6q13.
Variant type: single nucleotide variant.
Coding change: c.1987C>A on transcript NM_014989.7 (MANE Select); coding-DNA position 1987, C replaced by A.
Protein change: p.Pro663Thr; replaces proline 663 with threonine.
Molecular consequence: missense variant.
Genome position (GRCh38, 1-based): chr6:72,242,343, C>A. VCF-style: chr6-72242343-C-A. GRCh37 (hg19) VCF-style: chr6-72952046-C-A.
Other names: c.409C>A, p.Pro137Thr (NM_001168407.2, NM_001168408.2, NM_001350414.2 and 37 more transcripts); c.166C>A, p.Pro56Thr (NM_001168409.2, NM_001350461.2, NM_001350463.2 and 6 more transcripts); c.364C>A, p.Pro122Thr (NM_001168410.2, NM_001350470.2, NM_001350472.2 and 2 more transcripts); c.340C>A, p.Pro114Thr (NM_001350421.2, NM_001350424.2, NM_001350428.2 and 6 more transcripts); short protein forms P114T, P122T, P56T, P137T, P663T.
Identifiers: ClinVar variation 962693 (VCV000962693.9), dbSNP rs916352306, ClinGen allele CA140878130.